The following is an entry in ClinVar:

NM_020312.4(COQ9):c.592G>T (p.Glu198Ter)

Gene: COQ9 (coenzyme Q9; plus strand). Cytogenetic location: 16q21.
Variant type: single nucleotide variant.
Coding change: c.592G>T on transcript NM_020312.4 (MANE Select); coding-DNA position 592, G replaced by T.
Protein change: p.Glu198Ter; replaces glutamic acid 198 with a stop codon.
Molecular consequence: nonsense.
Genome position (GRCh38, 1-based): chr16:57,457,001, G>T. VCF-style: chr16-57457001-G-T. GRCh37 (hg19) VCF-style: chr16-57490913-G-T.
Other names: short protein forms E198*.
Identifiers: ClinVar variation 1360076 (VCV001360076.6), dbSNP rs2146591222, ClinGen allele CA396028960.

ClinVar aggregate classification (germline): Pathogenic (1 of 4 stars; one submission).

Submission:

Labcorp Genetics (formerly Invitae), Labcorp
Classification: Pathogenic. Last evaluated: 2021-07-24. Review status: criteria provided, single submitter. Criteria: Invitae Variant Classification Sherloc (09022015). Collection method: clinical testing. Allele origin: germline.
Comment: For these reasons, this variant has been classified as Pathogenic. This variant has not been reported in the literature in individuals affected with COQ9-related conditions. This variant is not present in population databases (ExAC no frequency). This sequence change creates a premature translational stop signal (p.Glu198*) in the COQ9 gene. It is expected to result in an absent or disrupted protein product. Loss-of-function variants in COQ9 are known to be pathogenic (PMID: 19375058, 26081641).

Literature cited by the submitters: PubMed 19375058; PubMed 26081641.